The following is an entry in ClinVar:

NM_005876.5(SPEG):c.5651A>G (p.Tyr1884Cys)

Genes: ASIC4-AS1 (ASIC4 antisense RNA 1; minus strand), SPEG (striated muscle enriched protein kinase; plus strand). Cytogenetic location: 2q35.
Variant type: single nucleotide variant.
Coding change: c.5651A>G on transcript NM_005876.5 (MANE Select); coding-DNA position 5651, A replaced by G.
Protein change: p.Tyr1884Cys; replaces tyrosine 1884 with cysteine.
Molecular consequence: missense variant.
Genome position (GRCh38, 1-based): chr2:219,483,114, A>G. VCF-style: chr2-219483114-A-G. GRCh37 (hg19) VCF-style: chr2-220347836-A-G.
Other names: short protein forms Y1884C.
Identifiers: ClinVar variation 2428282 (VCV002428282.3), dbSNP rs750835501, ClinGen allele CA2126917.

ClinVar aggregate classification (germline): Uncertain significance (1 of 4 stars; one submission).

Allele frequency attached by ClinVar (database versions not stated): ExAC 0.00001; TOPMed 0.00001; gnomAD exomes 0.00002.

Submission:

Labcorp Genetics (formerly Invitae), Labcorp
Classification: Uncertain significance. Last evaluated: 2022-05-25. Review status: criteria provided, single submitter. Criteria: Invitae Variant Classification Sherloc (09022015). Collection method: clinical testing. Allele origin: germline.
Comment: This sequence change replaces tyrosine, which is neutral and polar, with cysteine, which is neutral and slightly polar, at codon 1884 of the SPEG protein (p.Tyr1884Cys). This variant is present in population databases (rs750835501, gnomAD 0.02%). This variant has not been reported in the literature in individuals affected with SPEG-related conditions. Algorithms developed to predict the effect of missense changes on protein structure and function (SIFT, PolyPhen-2, Align-GVGD) all suggest that this variant is likely to be disruptive. In summary, the available evidence is currently insufficient to determine the role of this variant in disease. Therefore, it has been classified as a Variant of Uncertain Significance.